The following is an entry in ClinVar:

ClinVar aggregate classification (germline): Uncertain significance (1 of 4 stars; one submission).

Conditions:
Popliteal pterygium syndrome (PPS). Identifiers: Orphanet 294963, MedGen C0265259, MONDO:0017435.
Van der Woude syndrome. Identifiers: Orphanet 888, MedGen C0175697, MONDO:0019508.
Orofacial cleft 6, susceptibility to (OFC6). Also called: CLEFT LIP WITH OR WITHOUT CLEFT PALATE, NONSYNDROMIC, 6. Identifiers: MedGen C1837213, MONDO:0012141, OMIM 608864.

Submission:

Labcorp Genetics (formerly Invitae), Labcorp
Classification: Uncertain significance for Orofacial cleft 6, susceptibility to; Van der Woude syndrome; Popliteal pterygium syndrome. Last evaluated: 2024-03-21. Review status: criteria provided, single submitter. Criteria: Invitae Variant Classification Sherloc (09022015). Collection method: clinical testing. Allele origin: germline.
Comment: This sequence change replaces leucine, which is neutral and non-polar, with proline, which is neutral and non-polar, at codon 389 of the IRF6 protein (p.Leu389Pro). This variant is not present in population databases (gnomAD no frequency). This missense change has been observed in individual(s) with clinical features of Van der Woude syndrome (Invitae). Advanced modeling of protein sequence and biophysical properties (such as structural, functional, and spatial information, amino acid conservation, physicochemical variation, residue mobility, and thermodynamic stability) has been performed at Invitae for this missense variant, however the output from this modeling did not meet the statistical confidence thresholds required to predict the impact of this variant on IRF6 protein function. In summary, the available evidence is currently insufficient to determine the role of this variant in disease. Therefore, it has been classified as a Variant of Uncertain Significance.

NM_006147.4(IRF6):c.1166T>C (p.Leu389Pro)

Gene: IRF6 (interferon regulatory factor 6; minus strand). Cytogenetic location: 1q32.2.
Variant type: single nucleotide variant.
Coding change: c.1166T>C on transcript NM_006147.4 (MANE Select); coding-DNA position 1166, T replaced by C.
Protein change: p.Leu389Pro; replaces leucine 389 with proline.
Molecular consequence: missense variant.
Genome position (GRCh38, 1-based): chr1:209,789,680, A>G on the plus strand (T>C on the coding strand, the complement: IRF6 is on the minus strand). VCF-style: chr1-209789680-A-G. GRCh37 (hg19) VCF-style: chr1-209963025-A-G.
Other names: c.881T>C, p.Leu294Pro (NM_001206696.2); short protein forms L294P, L389P.
Identifiers: ClinVar variation 3754900 (VCV003754900.2).